The following is an entry in ClinVar:

NM_080680.3(COL11A2):c.4195G>A (p.Gly1399Ser)

Gene: COL11A2 (collagen type XI alpha 2 chain; minus strand). Cytogenetic location: 6p21.32.
Variant type: single nucleotide variant.
Coding change: c.4195G>A on transcript NM_080680.3 (MANE Select); coding-DNA position 4195, G replaced by A.
Protein change: p.Gly1399Ser; replaces glycine 1399 with serine.
Molecular consequence: missense variant.
Genome position (GRCh38, 1-based): chr6:33,167,105, C>T on the plus strand (G>A on the coding strand, the complement: COL11A2 is on the minus strand). VCF-style: chr6-33167105-C-T. GRCh37 (hg19) VCF-style: chr6-33134882-C-T.
Other names: c.4015G>A, p.Gly1339Ser (NM_001424108.1); c.3349G>A, p.Gly1117Ser (NM_001424109.1); c.3169G>A, p.Gly1057Ser (NM_001424110.1, NM_001424111.1); c.2149G>A, p.Gly717Ser (NM_001424112.1); c.3874G>A, p.Gly1292Ser (NM_080679.3); c.3937G>A, p.Gly1313Ser (NM_080681.3); short protein forms G1057S, G1117S, G1292S, G1313S, G1339S, G1399S, G717S.
Identifiers: ClinVar variation 3252808 (VCV003252808.1), dbSNP rs1426605414.

ClinVar aggregate classification (germline): Uncertain significance (1 of 4 stars; one submission).

gnomAD v4.1: 1 of 1,614,134 alleles (0.000062%); highest among the groups gnomAD compares: Non-Finnish European, 0.000085%; no homozygotes.

Submission:

GeneDx
Classification: Uncertain significance. Last evaluated: 2024-04-22. Review status: criteria provided, single submitter. Criteria: GeneDx Variant Classification Process June 2021. Collection method: clinical testing. Allele origin: germline. Affected: yes.
Comment: Not observed at significant frequency in large population cohorts (gnomAD); In silico analysis supports that this missense variant has a deleterious effect on protein structure/function; Has not been previously published as pathogenic or benign to our knowledge